The following is an entry in ClinVar:

ClinVar aggregate classification (germline): Uncertain significance (1 of 4 stars; one submission).

Conditions:
Ullrich congenital muscular dystrophy 2 (UCMD2). Identifiers: Orphanet 75840, MedGen C4225314, MONDO:0014654, OMIM 616470.
Bethlem myopathy 2 (BTHLM2). Identifiers: Orphanet 536516, Orphanet 610, MedGen C4225313, MONDO:0034022, OMIM 616471.

Submission:

Labcorp Genetics (formerly Invitae), Labcorp
Classification: Uncertain significance for Bethlem myopathy 2; Ullrich congenital muscular dystrophy 2. Last evaluated: 2024-11-22. Review status: criteria provided, single submitter. Criteria: Invitae Variant Classification Sherloc (09022015). Collection method: clinical testing. Allele origin: germline.
Comment: This sequence change replaces proline, which is neutral and non-polar, with leucine, which is neutral and non-polar, at codon 1958 of the COL12A1 protein (p.Pro1958Leu). This variant is not present in population databases (gnomAD no frequency). This variant has not been reported in the literature in individuals affected with COL12A1-related conditions. Invitae Evidence Modeling of protein sequence and biophysical properties (such as structural, functional, and spatial information, amino acid conservation, physicochemical variation, residue mobility, and thermodynamic stability) indicates that this missense variant is expected to disrupt COL12A1 protein function with a positive predictive value of 80%. In summary, the available evidence is currently insufficient to determine the role of this variant in disease. Therefore, it has been classified as a Variant of Uncertain Significance.

NM_004370.6(COL12A1):c.5873C>T (p.Pro1958Leu)

Gene: COL12A1 (collagen type XII alpha 1 chain; minus strand). Cytogenetic location: 6q13.
Variant type: single nucleotide variant.
Coding change: c.5873C>T on transcript NM_004370.6 (MANE Select); coding-DNA position 5873, C replaced by T.
Protein change: p.Pro1958Leu; replaces proline 1958 with leucine.
Molecular consequence: missense variant.
Genome position (GRCh38, 1-based): chr6:75,132,004, G>A on the plus strand (C>T on the coding strand, the complement: COL12A1 is on the minus strand). VCF-style: chr6-75132004-G-A. GRCh37 (hg19) VCF-style: chr6-75841720-G-A.
Other names: c.5873C>T, p.Pro1958Leu (NM_001424113.1); c.5852C>T, p.Pro1951Leu (NM_001424114.1); c.5600C>T, p.Pro1867Leu (NM_001424115.1); c.2381C>T, p.Pro794Leu (NM_001424116.1, NM_080645.3); short protein forms P1867L, P1951L, P1958L, P794L.
Identifiers: ClinVar variation 3758205 (VCV003758205.2).